The following is an entry in ClinVar:

ClinVar aggregate classification (germline): Benign/Likely benign. Review status: criteria provided, multiple submitters, no conflicts (2 of 4 stars). 7 submissions from 7 submitters: Benign (1); Likely benign (5). 1 of the submissions does not count toward it. Last evaluated 2026-02-01.

Conditions:
NBEAL2-related disorder. Also called: NBEAL2-related condition.
Gray platelet syndrome (GPS). Also called: BLEEDING DISORDER, PLATELET-TYPE, 4. Identifiers: Orphanet 721, MedGen C0272302, MONDO:0007686, OMIM 139090.

Allele frequency attached by ClinVar (database versions not stated): 1000 Genomes Project 0.00040; 1000 Genomes Project 30x 0.00078; TOPMed 0.00186; gnomAD exomes 0.00191; gnomAD 0.00195 and 0.00196; ESP Exome Variant Server 0.00215; ExAC 0.00284.
gnomAD v4.1: 4,116 of 1,605,408 alleles (0.26%); highest among the groups gnomAD compares: Non-Finnish European, 0.32%; 8 homozygotes.

Submissions (7):

Labcorp Genetics (formerly Invitae), Labcorp
Classification: Benign. Last evaluated: 2026-02-01. Review status: criteria provided, single submitter. Criteria: Invitae Variant Classification Sherloc (09022015). Collection method: clinical testing. Allele origin: germline.

Mayo Clinic Laboratories, Mayo Clinic
Classification: Likely benign. Last evaluated: 2025-09-22. Review status: criteria provided, single submitter. Criteria: ACMG Guidelines, 2015. Collection method: clinical testing. Allele origin: germline. Observed: 4 variant alleles.
Comment: BS1, BP4, BP7

Blueprint Genetics
Classification: Likely benign. Last evaluated: 2024-11-19. Review status: criteria provided, single submitter. Criteria: ACMG Guidelines, 2015. Collection method: clinical testing. Allele origin: germline.

Illumina Laboratory Services, Illumina
Classification: Likely benign for Gray platelet syndrome. Last evaluated: 2018-01-12. Review status: criteria provided, single submitter. Criteria: ICSL Variant Classification Criteria 13 December 2019. Collection method: clinical testing. Allele origin: germline.
Comment: This variant was observed in the ICSL laboratory as part of a predisposition screen in an ostensibly healthy population. It had not been previously curated by ICSL or reported in the Human Gene Mutation Database (HGMD: prior to June 1st, 2018), and was therefore a candidate for classification through an automated scoring system. Utilizing variant allele frequency, disease prevalence and penetrance estimates, and inheritance mode, an automated score was calculated to assess if this variant is too frequent to cause the disease. Based on the score and internal cut-off values, a variant classified as likely benign is not then subjected to further curation. The score for this variant resulted in a classification of likely benign for this disease.

Genetic Services Laboratory, University of Chicago
Classification: Likely benign. Last evaluated: 2017-01-19. Review status: criteria provided, single submitter. Criteria: ACMG Guidelines, 2015. Collection method: clinical testing. Allele origin: germline. Affected: no.

Breakthrough Genomics
Classification: Likely benign. Review status: criteria provided, single submitter. Criteria: ACMG Guidelines, 2015. Collection method: not provided. Allele origin: germline. Inheritance: Autosomal recessive inheritance. Affected: yes.

PreventionGenetics, part of Exact Sciences
Classification: Likely benign for NBEAL2-related condition. Last evaluated: 2019-05-24. Review status: no assertion criteria provided. Collection method: clinical testing. Allele origin: germline. Not counted in ClinVar's aggregate classification.
Comment: This variant is classified as likely benign based on ACMG/AMP sequence variant interpretation guidelines (Richards et al. 2015 PMID: 25741868, with internal and published modifications).

NM_015175.3(NBEAL2):c.1038C>T (p.Tyr346=)

Gene: NBEAL2 (neurobeachin like 2; plus strand). Cytogenetic location: 3p21.31.
Variant type: single nucleotide variant.
Coding change: c.1038C>T on transcript NM_015175.3 (MANE Select); coding-DNA position 1038, C replaced by T.
Protein change: p.Tyr346=; no amino-acid change (tyrosine 346 retained).
Molecular consequence: synonymous variant. On other transcripts: intron variant (1).
Genome position (GRCh38, 1-based): chr3:46,992,480, C>T. VCF-style: chr3-46992480-C-T. GRCh37 (hg19) VCF-style: chr3-47033970-C-T.
Other names: p.Tyr346=; c.1011+534C>T (NM_001365116.2).
Identifiers: ClinVar variation 435924 (VCV000435924.18), dbSNP rs201015016, ClinGen allele CA2360267.